The following is an entry in ClinVar:

NM_001206927.2(DNAH8):c.12264C>T (p.Asp4088=)

Genes: DNAH8 (dynein axonemal heavy chain 8; plus strand), DNAH8-AS1 (DNAH8 antisense RNA 1; minus strand). Cytogenetic location: 6p21.2.
Variant type: single nucleotide variant.
Coding change: c.12264C>T on transcript NM_001206927.2 (MANE Select); coding-DNA position 12264, C replaced by T.
Protein change: p.Asp4088=; no amino-acid change (aspartic acid 4088 retained).
Molecular consequence: synonymous variant.
Genome position (GRCh38, 1-based): chr6:38,951,333, C>T. VCF-style: chr6-38951333-C-T. GRCh37 (hg19) VCF-style: chr6-38919109-C-T.
Other names: p.Asp4088=; c.11613C>T, p.Asp3871= (NM_001371.4).
Identifiers: ClinVar variation 238634 (VCV000238634.46), dbSNP rs61748647, ClinGen allele CA3791310.

ClinVar aggregate classification (germline): Benign. Review status: criteria provided, multiple submitters, no conflicts (2 of 4 stars). 3 submissions from 3 submitters: Benign (3). Last evaluated 2026-02-02.

Conditions:
Primary ciliary dyskinesia. Also called: Ciliary dyskinesia. Identifiers: Orphanet 244, MedGen C0008780, MONDO:0016575, HP:0012265.

Allele frequency attached by ClinVar (database versions not stated): 1000 Genomes Project 0.00160; 1000 Genomes Project 30x 0.00203; TOPMed 0.00553; ExAC 0.00566; gnomAD exomes 0.00571 and 0.00887; gnomAD 0.00588 and 0.00611; ESP Exome Variant Server 0.00677.
gnomAD v4.1: 13,705 of 1,614,020 alleles (0.85%); highest among the groups gnomAD compares: Non-Finnish European, 1.1%; 74 homozygotes.

Submissions (3):

Labcorp Genetics (formerly Invitae), Labcorp
Classification: Benign for Primary ciliary dyskinesia. Last evaluated: 2026-02-02. Review status: criteria provided, single submitter. Criteria: Invitae Variant Classification Sherloc (09022015). Collection method: clinical testing. Allele origin: germline.

Mayo Clinic Laboratories, Mayo Clinic
Classification: Benign. Last evaluated: 2024-10-29. Review status: criteria provided, single submitter. Criteria: ACMG Guidelines, 2015. Collection method: clinical testing. Allele origin: germline. Observed: 2 variant alleles.
Comment: BS1, BS2, BP4, BP7

CeGaT Center for Human Genetics Tuebingen
Classification: Benign. Last evaluated: 2024-09-01. Review status: criteria provided, single submitter. Criteria: CeGaT Center For Human Genetics Tuebingen Variant Classification Criteria Version 2. Collection method: clinical testing. Allele origin: germline. Affected: yes. Observed: 6 variant alleles.
Comment: DNAH8: BP4, BP7, BS1, BS2